The following is an entry in ClinVar:

ClinVar aggregate classification (germline): Conflicting classifications of pathogenicity. Review status: criteria provided, conflicting classifications (1 of 4 stars). 2 submissions from 2 submitters: Likely pathogenic (1); Uncertain significance (1). Last evaluated 2023-08-21.

Conditions:
GDF5-related disorder. Also called: GDF5 (CDMP1)-related disorder; GDF5-related condition. Identifiers: MedGen CN169990.
Osteoarthritis susceptibility 5 (OS5). Identifiers: MedGen C4759728, MONDO:0012893, OMIM 612400.
Grebe syndrome. Also called: ACROMESOMELIC DYSPLASIA, GREBE TYPE; ACROMESOMELIC DYSPLASIA 2A; GREBE DYSPLASIA. Identifiers: Orphanet 2098, MedGen C0265260, MONDO:0008703, OMIM 200700.
Acromesomelic dysplasia 2C, Hunter-Thompson type. Also called: Acromesomelic dysplasia, Hunter-Thompson type. Identifiers: Orphanet 968, MedGen C2930970, MONDO:0008717, OMIM 201250.
Brachydactyly type A1C. Also called: Brachydactyly, type a1, c. Identifiers: Orphanet 93388, MedGen C3554446, MONDO:0014032, OMIM 615072.
Symphalangism, proximal, 1B (SYM1B). Identifiers: Orphanet 3250, MedGen C3809104, MONDO:0014125, OMIM 615298.
Type A2 brachydactyly (BDA2). Also called: MOHR-WRIEDT TYPE BRACHYDACTYLY; BRACHYMESOPHALANGY II; Brachymesophalangy type 2. Identifiers: Orphanet 93396, MedGen C1832702, MONDO:0007216, OMIM 112600, HP:0009372.
Brachydactyly type C (BDC). Identifiers: Orphanet 93384, MedGen C1862103, MONDO:0007221, OMIM 113100, HP:0009373.
Multiple synostoses syndrome 2 (SYNS2). Identifiers: Orphanet 3237, MedGen C1832708, MONDO:0012394, OMIM 610017.
Acromesomelic dysplasia 2B. Also called: DU PAN SYNDROME. Identifiers: Orphanet 2639, MedGen C1856738, MONDO:0009231, OMIM 228900.

Submissions (2):

PreventionGenetics, part of Exact Sciences
Classification: Likely pathogenic for GDF5-related condition. Last evaluated: 2023-08-21. Review status: criteria provided, single submitter. Criteria: ACMG Guidelines, 2015. Collection method: clinical testing. Allele origin: germline.
Comment: The GDF5 c.1420A>T variant is predicted to result in the amino acid substitution p.Ile474Phe. To our knowledge, this variant has not been reported in the literature or in a large population database, indicating this variant is rare. Taken together, this variant is interpreted as likely pathogenic.

Juno Genomics, Hangzhou Juno Genomics, Inc
Classification: Uncertain significance for Acromesomelic dysplasia 2C, Hunter-Thompson type; Osteoarthritis susceptibility 5; Grebe syndrome; Acromesomelic dysplasia 2B; Brachydactyly type A1C; Type A2 brachydactyly; Brachydactyly type C; Multiple synostoses syndrome 2; Symphalangism, proximal, 1B. Review status: criteria provided, single submitter. Criteria: ACMG Guidelines, 2015. Collection method: clinical testing. Allele origin: germline. Affected: yes.
Comment: Absent from controls (or at extremely low frequency if recessive) in Genome Aggregation Database, Exome Sequencing Project, 1000 Genomes Project, or Exome Aggregation Consortium.;Multiple lines of computational evidence support a deleterious effect on the gene or gene product (conservation, evolutionary, splicing impact, etc).

NM_000557.5(GDF5):c.1420A>T (p.Ile474Phe)

Genes: GDF5-AS1 (GDF5 antisense RNA 1; plus strand), GDF5 (growth differentiation factor 5; minus strand). Cytogenetic location: 20q11.22.
Variant type: single nucleotide variant.
Coding change: c.1420A>T on transcript NM_000557.5 (MANE Select); coding-DNA position 1420, A replaced by T.
Protein change: p.Ile474Phe; replaces isoleucine 474 with phenylalanine.
Molecular consequence: missense variant. On other transcripts: non-coding transcript variant (1).
Genome position (GRCh38, 1-based): chr20:35,433,995, T>A on the plus strand (A>T on the coding strand, the complement: GDF5 is on the minus strand). VCF-style: chr20-35433995-T-A. GRCh37 (hg19) VCF-style: chr20-34021793-T-A.
Other names: c.1420A>T, p.Ile474Phe (NM_001319138.2); short protein forms I474F.
Identifiers: ClinVar variation 2631825 (VCV002631825.3), dbSNP rs2146578225, ClinGen allele CA408737588.